The following is an entry in ClinVar:

ClinVar aggregate classification (germline): Pathogenic (1 of 4 stars; one submission).

Conditions:
Au-Kline syndrome. Also called: Okamoto syndrome; Neurodevelopmental disorder-craniofacial dysmorphism-cardiac defect-hip dysplasia syndrome due to a point mutation. Identifiers: Orphanet 2729, Orphanet 453499, Orphanet 453504, MedGen C4225274, MONDO:0014700, OMIM 616580.

Submission:

Juno Genomics, Hangzhou Juno Genomics, Inc
Classification: Pathogenic for Au-Kline syndrome. Review status: criteria provided, single submitter. Criteria: ACMG Guidelines, 2015. Collection method: clinical testing. Allele origin: germline. Affected: yes.
Comment: Absent from controls (or at extremely low frequency if recessive) in Genome Aggregation Database, Exome Sequencing Project, 1000 Genomes Project, or Exome Aggregation Consortium.;Null variant in a gene where loss of function (LOF) is a known mechanism of disease.;De novo (both maternity and paternity confirmed) in a patient with the disease and no family history.

NM_031263.4(HNRNPK):c.504_507del (p.Lys168fs)

Genes: HNRNPK (heterogeneous nuclear ribonucleoprotein K; minus strand), HNRNPK-AS1 (HNRNPK antisense RNA 1; plus strand). Cytogenetic location: 9q21.32.
Variant type: Deletion.
Coding change: c.504_507del on transcript NM_031263.4 (MANE Select); coding-DNA positions 504 to 507, 4 bases deleted (AGAA; older notation c.504_507delAGAA).
Protein change: p.Lys168fs; shifts the reading frame from lysine 168.
Molecular consequence: frameshift variant.
Genome position (GRCh38, 1-based): chr9:83,973,295-83,973,298, TTCT deleted on the plus strand (AGAA on the coding strand, the reverse complement: HNRNPK is on the minus strand); deleting any 4 consecutive bases within chr9:83,973,295-83,973,300 gives the same sequence; the c. name uses the placement nearest the transcript's 3' end. VCF-style (leftmost placement, unchanged base first): chr9-83973294-GTTCT-G. GRCh37 (hg19) VCF-style: chr9-86588209-GTTCT-G.
Other names: c.432_435del, p.Lys144fs (NM_001318186.2, NM_001318187.2); c.504_507del, p.Lys168fs (NM_001318188.2, NM_002140.5, NM_031262.4); short protein forms K144fs, K168fs.
Identifiers: ClinVar variation 3899365 (VCV003899365.2).